The following is an entry in ClinVar:

ClinVar aggregate classification (germline): Uncertain significance. Review status: criteria provided, multiple submitters, no conflicts (2 of 4 stars). 2 submissions from 2 submitters: Uncertain significance (2). Last evaluated 2025-12-11.

Conditions:
Inborn genetic diseases. Identifiers: MedGen C0950123, MeSH D030342.

gnomAD v4.1: 110 of 1,598,046 alleles (0.0069%); highest among the groups gnomAD compares: African/African-American, 0.019%; no homozygotes.

Submissions (2):

Labcorp Genetics (formerly Invitae), Labcorp
Classification: Uncertain significance. Last evaluated: 2025-12-11. Review status: criteria provided, single submitter. Criteria: Invitae Variant Classification Sherloc (09022015). Collection method: clinical testing. Allele origin: germline.
Comment: This sequence change replaces arginine, which is basic and polar, with cysteine, which is neutral and slightly polar, at codon 690 of the SLC26A1 protein (p.Arg690Cys). This variant is present in population databases (rs548078722, gnomAD 0.03%). This variant has not been reported in the literature in individuals affected with SLC26A1-related conditions. Invitae Evidence Modeling of protein sequence and biophysical properties (such as structural, functional, and spatial information, amino acid conservation, physicochemical variation, residue mobility, and thermodynamic stability) indicates that this missense variant is not expected to disrupt SLC26A1 protein function with a negative predictive value of 80%. In summary, the available evidence is currently insufficient to determine the role of this variant in disease. Therefore, it has been classified as a Variant of Uncertain Significance.

Ambry Genetics
Classification: Uncertain significance for Inborn genetic diseases. Last evaluated: 2025-11-19. Review status: criteria provided, single submitter. Criteria: Ambry Variant Classification Scheme 2023. Collection method: clinical testing. Allele origin: germline.

NM_022042.4(SLC26A1):c.2068C>T (p.Arg690Cys)

Genes: IDUA (alpha-L-iduronidase; plus strand), SLC26A1 (solute carrier family 26 member 1; minus strand). Cytogenetic location: 4p16.3.
Variant type: single nucleotide variant.
Coding change: c.2068C>T on transcript NM_022042.4 (MANE Select); coding-DNA position 2068, C replaced by T.
Protein change: p.Arg690Cys; replaces arginine 690 with cysteine.
Molecular consequence: missense variant. On other transcripts: intron variant (2).
Genome position (GRCh38, 1-based): chr4:988,871, G>A on the plus strand (C>T on the coding strand, the complement: SLC26A1 is on the minus strand). VCF-style: chr4-988871-G-A. GRCh37 (hg19) VCF-style: chr4-982659-G-A.
Other names: c.2068C>T, p.Arg690Cys (NM_213613.4); c.576+2257C>T (NM_134425.4); c.299+922G>A (NM_000203.5); short protein forms R690C.
Identifiers: ClinVar variation 4631159 (VCV004631159.2).